The following is an entry in ClinVar:

ClinVar aggregate classification (germline): Pathogenic (1 of 4 stars; one submission).

Conditions:
Thrombophilia due to protein C deficiency, autosomal dominant. Also called: PROTEIN C DEFICIENCY, AUTOSOMAL DOMINANT; PROC DEFICIENCY, AUTOSOMAL DOMINANT. Identifiers: Orphanet 745, MedGen C2674321, MONDO:0008316, OMIM 176860. Disease mechanism: loss of function.

Allele frequency attached by ClinVar (database versions not stated): gnomAD exomes below 0.00001; TOPMed below 0.00001; gnomAD 0.00001.
gnomAD v4.1: 3 of 1,577,582 alleles (0.00019%); highest among the groups gnomAD compares: East Asian, 0.0023%; no homozygotes.

Submission:

Labcorp Genetics (formerly Invitae), Labcorp
Classification: Pathogenic for Thrombophilia due to protein C deficiency, autosomal dominant. Last evaluated: 2024-02-24. Review status: criteria provided, single submitter. Criteria: Invitae Variant Classification Sherloc (09022015). Collection method: clinical testing. Allele origin: germline.
Comment: This sequence change creates a premature translational stop signal (p.Glu134*) in the PROC gene. It is expected to result in an absent or disrupted protein product. Loss-of-function variants in PROC are known to be pathogenic (PMID: 17152060). This variant is not present in population databases (gnomAD no frequency). This premature translational stop signal has been observed in individual(s) with clinical features of protein C deficiency (PMID: 7482420, 18954896). This variant is also known as 3217G>T p.E92Stop. ClinVar contains an entry for this variant (Variation ID: 1073999). Algorithms developed to predict the effect of sequence changes on RNA splicing suggest that this variant may disrupt the consensus splice site. For these reasons, this variant has been classified as Pathogenic.

Literature cited by the submitters: PubMed 17152060; PubMed 7482420; PubMed 18954896.

NM_000312.4(PROC):c.400G>T (p.Glu134Ter)

Gene: PROC (protein C, inactivator of coagulation factors Va and VIIIa; plus strand). Cytogenetic location: 2q14.3.
Variant type: single nucleotide variant.
Coding change: c.400G>T on transcript NM_000312.4 (MANE Select); coding-DNA position 400, G replaced by T.
Protein change: p.Glu134Ter; replaces glutamic acid 134 with a stop codon.
Molecular consequence: nonsense. On other transcripts: missense variant (3), synonymous variant (1).
Genome position (GRCh38, 1-based): chr2:127,423,171, G>T. VCF-style: chr2-127423171-G-T. GRCh37 (hg19) VCF-style: chr2-128180747-G-T.
Other names: c.583G>T, p.Glu195Ter (NM_001375602.1); c.463G>T, p.Gly155Cys (NM_001375603.1); c.463G>T, p.Glu155Ter (NM_001375604.1); c.400G>T, p.Gly134Cys (NM_001375605.1); c.555G>T, p.Ala185= (NM_001375606.1); c.484G>T, p.Gly162Cys (NM_001375607.1); c.400G>T, p.Glu134Ter (NM_001375608.1, NM_001375611.1, NM_001375613.1); c.376G>T, p.Glu126Ter (NM_001375609.1); and 1 more; short protein forms E126*, E132*, E134*, E155*, E195*, G134C, G155C, G162C.
Identifiers: ClinVar variation 1073999 (VCV001073999.9), dbSNP rs1257816310, ClinGen allele CA348399208.